The following is an entry in ClinVar:

ClinVar aggregate classification (germline): Likely benign. Review status: criteria provided, multiple submitters, no conflicts (2 of 4 stars). 2 submissions from 2 submitters: Likely benign (2). Last evaluated 2026-09-15.

Conditions:
DUOX2-related disorder. Also called: DUOX2-related condition.

Allele frequency attached by ClinVar (database versions not stated): TOPMed below 0.00001; gnomAD 0.00001; ExAC 0.00002; gnomAD exomes 0.00002.
gnomAD v4.1: 28 of 1,614,004 alleles (0.0017%); highest among the groups gnomAD compares: South Asian, 0.0033%; no homozygotes.

Submissions (2):

PreventionGenetics, part of Exact Sciences
Classification: Likely benign for DUOX2-related condition. Last evaluated: 2026-09-15. Review status: criteria provided, single submitter. Criteria: ACMG Guidelines, 2015. Collection method: clinical testing. Allele origin: germline.
Comment: This variant is classified as likely benign based on ACMG/AMP sequence variant interpretation guidelines (Richards et al. 2015 PMID: 25741868, with internal and published modifications).

Labcorp Genetics (formerly Invitae), Labcorp
Classification: Likely benign. Last evaluated: 2023-03-10. Review status: criteria provided, single submitter. Criteria: Invitae Variant Classification Sherloc (09022015). Collection method: clinical testing. Allele origin: germline.

NM_001363711.2(DUOX2):c.3847+10C>T

Gene: DUOX2 (dual oxidase 2; minus strand). Cytogenetic location: 15q21.1.
Variant type: single nucleotide variant.
Coding change: c.3847+10C>T on transcript NM_001363711.2 (MANE Select); 10 bases into the intron after coding-DNA position 3847, C replaced by T.
Molecular consequence: intron variant.
Genome position (GRCh38, 1-based): chr15:45,097,228, G>A on the plus strand (C>T on the coding strand, the complement: DUOX2 is on the minus strand). VCF-style: chr15-45097228-G-A. GRCh37 (hg19) VCF-style: chr15-45389426-G-A.
Other names: c.3847+10C>T (NM_014080.4, NM_014080.5).
Identifiers: ClinVar variation 1901354 (VCV001901354.6), dbSNP rs777284849, ClinGen allele CA7537715.